The following is an entry in ClinVar:

NM_001374259.2(IL12RB2):c.2087G>T (p.Trp696Leu)

Gene: IL12RB2 (interleukin 12 receptor subunit beta 2; plus strand). Cytogenetic location: 1p31.3.
Variant type: single nucleotide variant.
Coding change: c.2087G>T on transcript NM_001374259.2 (MANE Select); coding-DNA position 2087, G replaced by T.
Protein change: p.Trp696Leu; replaces tryptophan 696 with leucine.
Molecular consequence: missense variant. On other transcripts: 3 prime UTR variant (2), synonymous variant (1), non-coding transcript variant (2).
Genome position (GRCh38, 1-based): chr1:67,395,587, G>T. VCF-style: chr1-67395587-G-T. GRCh37 (hg19) VCF-style: chr1-67861270-G-T.
Other names: c.*7G>T (NM_001258214.1, NM_001319233.1); c.1829G>T, p.Trp610Leu (NM_001258215.1); c.1896G>T, p.Leu632= (NM_001258216.1); c.2087G>T, p.Trp696Leu (NM_001559.3); short protein forms W610L, W696L.
Identifiers: ClinVar variation 1003687 (VCV001003687.9), dbSNP rs113226384, ClinGen allele CA900667.
Genomic context (GRCh38, chr1:67,395,587, plus strand): 5'-TTCCTCCTCCTTTCTCTCAGGAGAAGACACAGCTGCCCTTGGACAGGCTCCTGATAGACT[G>T]GCCCACGCCTGAAGATCCTGAACCGCTGGTCATCAGTGAAGTCCTTCATCAAGTGACCCC-3'
Protein context (NP_001361188.1, residues 686-706): QLPLDRLLID[Trp696Leu]PTPEDPEPLV

ClinVar aggregate classification (germline): Uncertain significance (1 of 4 stars; one submission).

Allele frequency attached by ClinVar (database versions not stated): gnomAD exomes 0.00003 and 0.00004; ExAC 0.00007; ESP Exome Variant Server 0.00015; gnomAD 0.00023 and 0.00024; 1000 Genomes Project 30x 0.00031; TOPMed 0.00033; 1000 Genomes Project 0.00040.
gnomAD v4.1: 75 of 1,614,206 alleles (0.0046%); highest among the groups gnomAD compares: African/African-American, 0.095%; no homozygotes.

Submission:

Labcorp Genetics (formerly Invitae), Labcorp
Classification: Uncertain significance. Last evaluated: 2025-10-01. Review status: criteria provided, single submitter. Criteria: Invitae Variant Classification Sherloc (09022015). Collection method: clinical testing. Allele origin: germline.
Comment: This sequence change replaces tryptophan, which is neutral and slightly polar, with leucine, which is neutral and non-polar, at codon 696 of the IL12RB2 protein (p.Trp696Leu). This variant is present in population databases (rs113226384, gnomAD 0.08%), and has an allele count higher than expected for a pathogenic variant. This variant has not been reported in the literature in individuals affected with IL12RB2-related conditions. ClinVar contains an entry for this variant (Variation ID: 1003687). An algorithm developed to predict the effect of missense changes on protein structure and function outputs the following: PolyPhen-2: "Benign". The leucine amino acid residue is found in multiple mammalian species, which suggests that this missense change does not adversely affect protein function. In summary, the available evidence is currently insufficient to determine the role of this variant in disease. Therefore, it has been classified as a Variant of Uncertain Significance.